The following is an entry in ClinVar:

NM_032043.3(BRIP1):c.448G>A (p.Glu150Lys)

Gene: BRIP1 (BRCA1 interacting DNA helicase 1; minus strand). Cytogenetic location: 17q23.2.
Variant type: single nucleotide variant.
Coding change: c.448G>A on transcript NM_032043.3 (MANE Select); coding-DNA position 448, G replaced by A.
Protein change: p.Glu150Lys; replaces glutamic acid 150 with lysine.
Molecular consequence: missense variant.
Genome position (GRCh38, 1-based): chr17:61,849,188, C>T on the plus strand (G>A on the coding strand, the complement: BRIP1 is on the minus strand). VCF-style: chr17-61849188-C-T. GRCh37 (hg19) VCF-style: chr17-59926549-C-T.
Other names: short protein forms E150K.
Identifiers: ClinVar variation 1027337 (VCV001027337.12), dbSNP rs762701532, ClinGen allele CA8690931.

ClinVar aggregate classification (germline): Uncertain significance. Review status: criteria provided, multiple submitters, no conflicts (2 of 4 stars). 2 submissions from 2 submitters: Uncertain significance (2). Last evaluated 2024-01-12.

Conditions:
Fanconi anemia complementation group J. Also called: BRIP1-Related Fanconi Anemia. Identifiers: Orphanet 84, MedGen C1836860, MONDO:0012187, OMIM 609054.
Familial cancer of breast. Also called: BREAST CANCER, FAMILIAL; hereditary breast carcinoma; Hereditary breast cancer. Identifiers: Orphanet 227535, MedGen C0346153, MONDO:0016419, OMIM 114480. Disease mechanism: loss of function.
Hereditary cancer-predisposing syndrome. Also called: Hereditary neoplastic syndrome; Neoplastic Syndromes, Hereditary; Tumor predisposition; Hereditary Cancer Syndrome. Identifiers: Orphanet 140162, MedGen C0027672, MeSH D009386, MONDO:0015356.

Allele frequency attached by ClinVar (database versions not stated): gnomAD exomes below 0.00001 and 0.00001; ExAC 0.00002.

Submissions (2):

Ambry Genetics
Classification: Uncertain significance for Hereditary cancer-predisposing syndrome. Last evaluated: 2024-01-12. Review status: criteria provided, single submitter. Criteria: Ambry Variant Classification Scheme 2023. Collection method: clinical testing. Allele origin: germline.
Comment: The p.E150K variant (also known as c.448G>A), located in coding exon 4 of the BRIP1 gene, results from a G to A substitution at nucleotide position 448. The glutamic acid at codon 150 is replaced by lysine, an amino acid with similar properties. This amino acid position is highly conserved in available vertebrate species. In addition, the in silico prediction for this alteration is inconclusive. Since supporting evidence is limited at this time, the clinical significance of this alteration remains unclear.

Labcorp Genetics (formerly Invitae), Labcorp
Classification: Uncertain significance for Familial cancer of breast; Fanconi anemia complementation group J. Last evaluated: 2020-08-19. Review status: criteria provided, single submitter. Criteria: Invitae Variant Classification Sherloc (09022015). Collection method: clinical testing. Allele origin: germline.
Comment: In summary, the available evidence is currently insufficient to determine the role of this variant in disease. Therefore, it has been classified as a Variant of Uncertain Significance. Algorithms developed to predict the effect of missense changes on protein structure and function (SIFT, PolyPhen-2, Align-GVGD) all suggest that this variant is likely to be tolerated, but these predictions have not been confirmed by published functional studies and their clinical significance is uncertain. This variant has not been reported in the literature in individuals with BRIP1-related conditions. This variant is present in population databases (rs762701532, ExAC 0.003%). This sequence change replaces glutamic acid with lysine at codon 150 of the BRIP1 protein (p.Glu150Lys). The glutamic acid residue is moderately conserved and there is a small physicochemical difference between glutamic acid and lysine.